The following is an entry in ClinVar:

ClinVar aggregate classification (germline): Likely pathogenic. Review status: criteria provided, single submitter (1 of 4 stars). 2 submissions from 2 submitters: Likely pathogenic (1). 1 of the submissions does not count toward it. Last evaluated 2023-08-11.

Conditions:
Glucocorticoid deficiency with achalasia (AAAS). Also called: Addisonian achalasia syndrome; Achalasia-addisonianism-alacrimia syndrome; Triple-A syndrome; Alacrima-achalasia-addisonianism; ACTH-resistant adrenal insufficiency, achalasia and alacrima; Glucocorticoid deficiency and achalasia. Identifiers: Orphanet 869, MedGen C0271742, MONDO:0009279, OMIM 231550.

Allele frequency attached by ClinVar (database versions not stated): gnomAD exomes below 0.00001; gnomAD 0.00001; TOPMed 0.00001.
gnomAD v4.1: 3 of 1,614,042 alleles (0.00019%); highest among the groups gnomAD compares: Admixed American, 0.0017%; no homozygotes.

Submissions (2):

Labcorp Genetics (formerly Invitae), Labcorp
Classification: Likely pathogenic. Last evaluated: 2023-08-11. Review status: criteria provided, single submitter. Criteria: Invitae Variant Classification Sherloc (09022015). Collection method: clinical testing. Allele origin: germline.
Comment: This sequence change affects a donor splice site in intron 11 of the AAAS gene. It is expected to disrupt RNA splicing. Variants that disrupt the donor or acceptor splice site typically lead to a loss of protein function (PMID: 16199547), and loss-of-function variants in AAAS are known to be pathogenic (PMID: 11159947). This variant is present in population databases (no rsID available, gnomAD 0.1%). Disruption of this splice site has been observed in individual(s) with achalasia-addisonianism-alacrimia syndrome (PMID: 11701718). This variant is also known as IVS11+1G>A. ClinVar contains an entry for this variant (Variation ID: 5046). Algorithms developed to predict the effect of sequence changes on RNA splicing suggest that this variant may disrupt the consensus splice site. In summary, the currently available evidence indicates that the variant is pathogenic, but additional data are needed to prove that conclusively. Therefore, this variant has been classified as Likely Pathogenic.

OMIM
Classification: Pathogenic for ACHALASIA-ADDISONIANISM-ALACRIMA SYNDROME. Last evaluated: 2001-11-01. Review status: no assertion criteria provided. Collection method: literature only. Allele origin: germline. Not counted in ClinVar's aggregate classification.

Literature cited by the submitters: PubMed 16199547 (cited by Labcorp Genetics (formerly Invitae), Labcorp); PubMed 11159947 (cited by Labcorp Genetics (formerly Invitae), Labcorp); PubMed 11701718 (cited by Labcorp Genetics (formerly Invitae), Labcorp and OMIM).

NM_015665.6(AAAS):c.1087+1G>A

Gene: AAAS (aladin WD repeat nucleoporin; minus strand). Cytogenetic location: 12q13.13.
Variant type: single nucleotide variant.
Coding change: c.1087+1G>A on transcript NM_015665.6 (MANE Select); the canonical splice donor site of the intron after coding-DNA position 1087, G replaced by A.
Molecular consequence: splice donor variant.
Genome position (GRCh38, 1-based): chr12:53,308,724, C>T on the plus strand (G>A on the coding strand, the complement: AAAS is on the minus strand). VCF-style: chr12-53308724-C-T. GRCh37 (hg19) VCF-style: chr12-53702508-C-T.
Other names: IVS11DS, G-A, +1; c.988+1G>A (NM_001173466.2).
Identifiers: ClinVar variation 5046 (VCV000005046.7), dbSNP rs1035139364, ClinGen allele CA237331147.